The following is an entry in ClinVar:

ClinVar aggregate classification (germline): Uncertain significance (1 of 4 stars; one submission).

Conditions:
Hereditary spastic paraplegia 31. Also called: SPASTIC PARAPLEGIA 31, AUTOSOMAL DOMINANT. Identifiers: Orphanet 101011, MedGen C1853247, MONDO:0012453, OMIM 610250.

Submission:

Labcorp Genetics (formerly Invitae), Labcorp
Classification: Uncertain significance for Hereditary spastic paraplegia 31. Last evaluated: 2024-02-17. Review status: criteria provided, single submitter. Criteria: Invitae Variant Classification Sherloc (09022015). Collection method: clinical testing. Allele origin: germline.
Comment: This variant, c.255_266del, results in the deletion of 4 amino acid(s) of the REEP1 protein (p.Ser85_Tyr88del), but otherwise preserves the integrity of the reading frame. This variant is not present in population databases (gnomAD no frequency). This variant has not been reported in the literature in individuals affected with REEP1-related conditions. ClinVar contains an entry for this variant (Variation ID: 1044146). Experimental studies and prediction algorithms are not available or were not evaluated, and the functional significance of this variant is currently unknown. In summary, the available evidence is currently insufficient to determine the role of this variant in disease. Therefore, it has been classified as a Variant of Uncertain Significance.

NM_001371279.1(REEP1):c.255_266del (p.Ser85_Tyr88del)

Gene: REEP1 (receptor accessory protein 1; minus strand). Cytogenetic location: 2p11.2.
Variant type: Deletion.
Coding change: c.255_266del on transcript NM_001371279.1 (MANE Select); coding-DNA positions 255 to 266, 12 bases deleted (CCTCCTGTACAG).
Protein change: p.Ser85_Tyr88del.
Molecular consequence: inframe deletion. On other transcripts: intron variant (1).
Genome position (GRCh38, 1-based): chr2:86,254,731-86,254,742, CTGTACAGGAGG deleted on the plus strand (CCTCCTGTACAG on the coding strand, the reverse complement: REEP1 is on the minus strand); deleting any 12 consecutive bases within chr2:86,254,731-86,254,745 gives the same sequence; the c. name uses the placement nearest the transcript's 3' end. VCF-style (leftmost placement, unchanged base first): chr2-86254730-CCTGTACAGGAGG-C. GRCh37 (hg19) VCF-style: chr2-86481853-CCTGTACAGGAGG-C.
Other names: c.276_287del, p.Ser92_Tyr95del (NM_001164730.2); c.174_185del, p.Ser58_Tyr61del (NM_001164731.2); c.255_266del, p.Ser85_Tyr88del (NM_001371280.1, NM_022912.3); c.182+9223_182+9234del (NM_001164732.2).
Identifiers: ClinVar variation 1044146 (VCV001044146.8), dbSNP rs1676458313, ClinGen allele CA1267143151.